The following is an entry in ClinVar:

NM_022124.6(CDH23):c.7274_7275del (p.Thr2425fs)

Gene: CDH23 (cadherin related 23; plus strand). Cytogenetic location: 10q22.1.
Variant type: Deletion.
Coding change: c.7274_7275del on transcript NM_022124.6 (MANE Select); coding-DNA positions 7274 to 7275, 2 bases deleted (CT; older notation c.7274_7275delCT).
Protein change: p.Thr2425fs; shifts the reading frame from threonine 2425.
Molecular consequence: frameshift variant.
Genome position (GRCh38, 1-based): chr10:71,799,541-71,799,542, CT deleted. VCF-style (leftmost placement, unchanged base first): chr10-71799540-ACT-A. GRCh37 (hg19) VCF-style: chr10-73559297-ACT-A.
Other names: c.554_555del, p.Thr185fs (NM_001171933.1, NM_001171934.1); short protein forms T185fs, T2425fs.
Identifiers: ClinVar variation 1406663 (VCV001406663.9), dbSNP rs1841497902, ClinGen allele CA929793068.

ClinVar aggregate classification (germline): Pathogenic/Likely pathogenic. Review status: criteria provided, multiple submitters, no conflicts (2 of 4 stars). 4 submissions from 4 submitters: Pathogenic (1); Likely pathogenic (3). Last evaluated 2024-04-16.

Conditions:
CDH23-related disorder. Also called: CDH23-related condition; CDH23-related disorders.
Pituitary adenoma 5, multiple types. Identifiers: MedGen C4539685, MONDO:0054601, OMIM 617540.
Autosomal recessive nonsyndromic hearing loss 12. Also called: DEAFNESS, AUTOSOMAL RECESSIVE 12. Identifiers: Orphanet 90636, MedGen C1832394, MONDO:0011067, OMIM 601386.
Usher syndrome type 1D (USH1D). Also called: USHER SYNDROME, TYPE ID. Identifiers: Orphanet 231169, Orphanet 886, MedGen C1832845, MONDO:0010984, OMIM 601067.

Allele frequency attached by ClinVar (database versions not stated): gnomAD exomes below 0.00001; TOPMed below 0.00001; gnomAD 0.00001.

Submissions (4):

Fulgent Genetics
Classification: Likely pathogenic for Usher syndrome type 1D; Autosomal recessive nonsyndromic hearing loss 12; Pituitary adenoma 5, multiple types. Last evaluated: 2024-04-16. Review status: criteria provided, single submitter. Criteria: ACMG Guidelines, 2015. Collection method: clinical testing. Allele origin: germline.

Baylor Genetics
Classification: Likely pathogenic for Pituitary adenoma 5, multiple types. Last evaluated: 2024-03-02. Review status: criteria provided, single submitter. Criteria: ACMG Guidelines, 2015. Collection method: clinical testing. Allele origin: unknown.

Labcorp Genetics (formerly Invitae), Labcorp
Classification: Pathogenic. Last evaluated: 2022-11-07. Review status: criteria provided, single submitter. Criteria: Invitae Variant Classification Sherloc (09022015). Collection method: clinical testing. Allele origin: germline.
Comment: For these reasons, this variant has been classified as Pathogenic. ClinVar contains an entry for this variant (Variation ID: 1406663). This variant has not been reported in the literature in individuals affected with CDH23-related conditions. This variant is not present in population databases (gnomAD no frequency). This sequence change creates a premature translational stop signal (p.Thr2425Serfs*3) in the CDH23 gene. It is expected to result in an absent or disrupted protein product. Loss-of-function variants in CDH23 are known to be pathogenic (PMID: 11138009, 21940737).

Blueprint Genetics
Classification: Likely pathogenic for CDH23-related disorders. Last evaluated: 2018-05-08. Review status: criteria provided, single submitter. Criteria: ACMG Guidelines, 2015. Collection method: clinical testing. Allele origin: germline. Affected: yes. Observed: 1 variant allele.

Literature cited by the submitters: PubMed 11138009 (cited by Labcorp Genetics (formerly Invitae), Labcorp); PubMed 21940737 (cited by Labcorp Genetics (formerly Invitae), Labcorp).